The following is an entry in ClinVar:

NM_032043.3(BRIP1):c.2290A>G (p.Lys764Glu)

Gene: BRIP1 (BRCA1 interacting DNA helicase 1; minus strand). Cytogenetic location: 17q23.2.
Variant type: single nucleotide variant.
Coding change: c.2290A>G on transcript NM_032043.3 (MANE Select); coding-DNA position 2290, A replaced by G.
Protein change: p.Lys764Glu; replaces lysine 764 with glutamic acid.
Molecular consequence: missense variant.
Genome position (GRCh38, 1-based): chr17:61,743,102, T>C on the plus strand (A>G on the coding strand, the complement: BRIP1 is on the minus strand). VCF-style: chr17-61743102-T-C. GRCh37 (hg19) VCF-style: chr17-59820463-T-C.
Other names: short protein forms K764E.
Identifiers: ClinVar variation 821043 (VCV000821043.15), dbSNP rs1603303860, ClinGen allele CA400482707.

ClinVar aggregate classification (germline): Uncertain significance. Review status: criteria provided, multiple submitters, no conflicts (2 of 4 stars). 4 submissions from 4 submitters: Uncertain significance (4). Last evaluated 2025-03-04.

Conditions:
Hereditary cancer-predisposing syndrome. Also called: Hereditary Cancer Syndrome; Neoplastic Syndromes, Hereditary; Hereditary neoplastic syndrome; Tumor predisposition. Identifiers: Orphanet 140162, MedGen C0027672, MeSH D009386, MONDO:0015356.
Familial cancer of breast. Also called: Hereditary breast cancer; hereditary breast carcinoma; BREAST CANCER, FAMILIAL. Identifiers: Orphanet 227535, MedGen C0346153, MONDO:0016419, OMIM 114480. Disease mechanism: loss of function.
Fanconi anemia complementation group J. Also called: BRIP1-Related Fanconi Anemia. Identifiers: Orphanet 84, MedGen C1836860, MONDO:0012187, OMIM 609054.

Submissions (4):

Center for Genomic Medicine, Rigshospitalet, Copenhagen University Hospital
Classification: Uncertain significance. Last evaluated: 2025-03-04. Review status: criteria provided, single submitter. Criteria: ACMG Guidelines, 2015. Collection method: clinical testing. Allele origin: germline.

Color Diagnostics, LLC DBA Color Health
Classification: Uncertain significance for Hereditary cancer-predisposing syndrome. Last evaluated: 2024-06-17. Review status: criteria provided, single submitter. Criteria: ACMG Guidelines, 2015. Collection method: clinical testing. Allele origin: germline.
Comment: This missense variant replaces lysine with glutamic acid at codon 764 of the BRIP1 protein. Computational prediction suggests that this variant may have deleterious impact on protein structure and function (internally defined REVEL score threshold >= 0.7, PMID: 27666373). To our knowledge, functional studies have not been reported for this variant. This variant has not been reported in individuals affected with BRIP1-related disorders in the literature. This variant has not been identified in the general population by the Genome Aggregation Database (gnomAD). The available evidence is insufficient to determine the role of this variant in disease conclusively. Therefore, this variant is classified as a Variant of Uncertain Significance.

Labcorp Genetics (formerly Invitae), Labcorp
Classification: Uncertain significance for Familial cancer of breast; Fanconi anemia complementation group J. Last evaluated: 2022-11-14. Review status: criteria provided, single submitter. Criteria: Invitae Variant Classification Sherloc (09022015). Collection method: clinical testing. Allele origin: germline.
Comment: This sequence change replaces lysine, which is basic and polar, with glutamic acid, which is acidic and polar, at codon 764 of the BRIP1 protein (p.Lys764Glu). This variant is not present in population databases (gnomAD no frequency). This variant has not been reported in the literature in individuals affected with BRIP1-related conditions. ClinVar contains an entry for this variant (Variation ID: 821043). Advanced modeling of protein sequence and biophysical properties (such as structural, functional, and spatial information, amino acid conservation, physicochemical variation, residue mobility, and thermodynamic stability) performed at Invitae indicates that this missense variant is expected to disrupt BRIP1 protein function. In summary, the available evidence is currently insufficient to determine the role of this variant in disease. Therefore, it has been classified as a Variant of Uncertain Significance.

Ambry Genetics
Classification: Uncertain significance for Hereditary cancer-predisposing syndrome. Last evaluated: 2019-07-18. Review status: criteria provided, single submitter. Criteria: Ambry Variant Classification Scheme 2023. Collection method: clinical testing. Allele origin: germline.
Comment: The p.K764E variant (also known as c.2290A>G), located in coding exon 15 of the BRIP1 gene, results from an A to G substitution at nucleotide position 2290. The lysine at codon 764 is replaced by glutamic acid, an amino acid with similar properties. This amino acid position is highly conserved in available vertebrate species. In addition, this alteration is predicted to be deleterious by in silico analysis. Since supporting evidence is limited at this time, the clinical significance of this alteration remains unclear.